The following is an entry in ClinVar:

NM_001077624.3(ZNF846):c.405T>C (p.Thr135=)

Gene: ZNF846 (zinc finger protein 846; minus strand). Cytogenetic location: 19p13.2.
Variant type: single nucleotide variant.
Coding change: c.405T>C on transcript NM_001077624.3 (MANE Select); coding-DNA position 405, T replaced by C.
Protein change: p.Thr135=; no amino-acid change (threonine 135 retained).
Molecular consequence: synonymous variant. On other transcripts: non-coding transcript variant (5).
Genome position (GRCh38, 1-based): chr19:9,758,672, A>G on the plus strand (T>C on the coding strand, the complement: ZNF846 is on the minus strand). VCF-style: chr19-9758672-A-G. GRCh37 (hg19) VCF-style: chr19-9869348-A-G.
Other names: c.18T>C, p.Thr6= (NM_001353798.2, NM_001395839.1, NM_001395840.1 and 3 more transcripts); c.402T>C, p.Thr134= (NM_001353799.2, NM_001353800.3); c.405T>C, p.Thr135= (NM_001395830.1, NM_001395831.1, NM_001395832.1); c.297T>C, p.Thr99= (NM_001395833.1, NM_001395834.1); c.294T>C, p.Thr98= (NM_001395835.1); c.234T>C, p.Thr78= (NM_001395836.1, NM_001395837.1); c.108T>C, p.Thr36= (NM_001395838.1).
Identifiers: ClinVar variation 2649276 (VCV002649276.24), dbSNP rs192422051, ClinGen allele CA9180333.

ClinVar aggregate classification (germline): Likely benign (1 of 4 stars; one submission).

Allele frequency attached by ClinVar (database versions not stated): gnomAD exomes 0.00082; gnomAD 0.00090; 1000 Genomes Project 30x 0.00094; 1000 Genomes Project 0.00100; TOPMed 0.00135; ExAC 0.00060; ESP Exome Variant Server 0.00068.
gnomAD v4.1: 1,356 of 1,612,558 alleles (0.084%); highest among the groups gnomAD compares: Admixed American, 0.19%; 2 homozygotes.

Submission:

CeGaT Center for Human Genetics Tuebingen
Classification: Likely benign. Last evaluated: 2022-10-01. Review status: criteria provided, single submitter. Criteria: CeGaT Center For Human Genetics Tuebingen Variant Classification Criteria Version 2. Collection method: clinical testing. Allele origin: germline. Affected: yes. Observed: 1 variant allele.
Comment: ZNF846: BP4, BP7